The following is an entry in ClinVar:

NM_017433.5(MYO3A):c.3040A>G (p.Met1014Val)

Gene: MYO3A (myosin IIIA; plus strand). Cytogenetic location: 10p12.1.
Variant type: single nucleotide variant.
Coding change: c.3040A>G on transcript NM_017433.5 (MANE Select); coding-DNA position 3040, A replaced by G.
Protein change: p.Met1014Val; replaces methionine 1014 with valine.
Molecular consequence: missense variant.
Genome position (GRCh38, 1-based): chr10:26,166,107, A>G. VCF-style: chr10-26166107-A-G. GRCh37 (hg19) VCF-style: chr10-26455036-A-G.
Other names: short protein forms M1014V.
Identifiers: ClinVar variation 505284 (VCV000505284.4), dbSNP rs1324018685, ClinGen allele CA376337149.
Genomic context (GRCh38, chr10:26,166,107, plus strand): 5'-GCCCTTTTTTCCATTCCAAGGTACTACCTTCTCTGCTACAAGTCGAGCGAGGAGCCCCGC[A>G]TGAGCCCTGACACCTGTGCCACCATTTTGGAAAAAGCTGGTCTCGATAACTGGGCTCTTG-3'
Protein context (NP_059129.3, residues 1004-1024): LCYKSSEEPR[Met1014Val]SPDTCATILE

ClinVar aggregate classification (germline): Uncertain significance (1 of 4 stars; one submission).

Allele frequency attached by ClinVar (database versions not stated): gnomAD exomes below 0.00001.

Submission:

Laboratory for Molecular Medicine, Mass General Brigham Personalized Medicine
Classification: Uncertain significance. Last evaluated: 2016-08-23. Review status: criteria provided, single submitter. Criteria: LMM Criteria. Collection method: clinical testing. Allele origin: germline. Observed: 1 variant allele.
Comment: Variant classified as Uncertain Significance - Favor Benign. The p.Met1014Val va riant in MYO3A has not been previously reported in individuals with hearing loss or in large population studies. The methionine (Met) at position 1014 is not co nserved in mammals or evolutionary distant species, and >10 mammals carry a vali ne (Val), suggesting that this change at this position may be tolerated. However , nearby amino acids are not highly conserved either. Computational tools predic t the creation of a possible cryptic splice site; however, this information is n ot predictive enough to determine pathogenicity. Additional computational predic tion tools suggest that this variant may not impact the protein, although this i nformation is not sufficient to rule out pathogenicity. In summary, the clinical significance of this variant is uncertain, available data suggest that this var iant is more likely to be benign.